The following is an entry in ClinVar:

ClinVar aggregate classification (germline): Benign (1 of 4 stars; one submission).

Conditions:
Leigh syndrome (NULS). Also called: Leigh's necrotizing encephalopathy; Leigh's disease; Leigh Syndrome (mtDNA deletion); Leigh Disease; Subacute necrotizing encephalopathy; Necrotizing encephalopathy infantile subacute of Leigh. Identifiers: Orphanet 506, MedGen C2931891, MONDO:0009723, OMIM 256000.

Submission:

Wong Mito Lab, Molecular and Human Genetics, Baylor College of Medicine
Classification: Benign for Leigh syndrome. Last evaluated: 2019-10-17. Review status: criteria provided, single submitter. Criteria: Modified ACMG Guidelines (Unpublished). Collection method: clinical testing. Allele origin: germline.
Comment: The NC_012920.1:m.8417C>T (YP_003024030.1:p.Leu18Phe) variant in MTATP8 gene is interpretated to be a Benign variant based on the modified ACMG guidelines (unpublished). This variant meets the following evidence codes: BS1, BS2

NC_012920.1(MT-ATP8):m.8417C>T

Gene: MT-ATP8 (mitochondrially encoded ATP synthase 8; plus strand).
Variant type: single nucleotide variant.
Genome position: chrM-8417-C-T.
Identifiers: ClinVar variation 692852 (VCV000692852.1), dbSNP rs199616772, ClinGen allele CA337097855.